The following is an entry in ClinVar:

ClinVar aggregate classification (germline): Uncertain significance (1 of 4 stars; one submission).

Submission:

Labcorp Genetics (formerly Invitae), Labcorp
Classification: Uncertain significance. Last evaluated: 2023-03-20. Review status: criteria provided, single submitter. Criteria: Invitae Variant Classification Sherloc (09022015). Collection method: clinical testing. Allele origin: germline.
Comment: This sequence change replaces arginine, which is basic and polar, with threonine, which is neutral and polar, at codon 72 of the APOC2 protein (p.Arg72Thr). This variant also falls at the last nucleotide of exon 3, which is part of the consensus splice site for this exon. This variant is not present in population databases (gnomAD no frequency). This missense change has been observed in individuals with familial chylomicronemia syndrome (PMID: 28201738; Invitae). An algorithm developed to predict the effect of missense changes on protein structure and function (PolyPhen-2) suggests that this variant is likely to be disruptive. Experimental studies have shown that this missense change affects APOC2 function (PMID: 28201738). Variants that disrupt the consensus splice site are a relatively common cause of aberrant splicing (PMID: 17576681, 9536098). Algorithms developed to predict the effect of sequence changes on RNA splicing suggest that this variant may disrupt the consensus splice site. In summary, the available evidence is currently insufficient to determine the role of this variant in disease. Therefore, it has been classified as a Variant of Uncertain Significance.

Literature cited by the submitters: PubMed 28201738; PubMed 17576681; PubMed 9536098.

NM_000483.5(APOC2):c.215G>C (p.Arg72Thr)

Genes: APOC2 (apolipoprotein C2; plus strand), APOC4-APOC2 (APOC4-APOC2 readthrough (NMD candidate); plus strand). Cytogenetic location: 19q13.32.
Variant type: single nucleotide variant.
Coding change: c.215G>C on transcript NM_000483.5 (MANE Select); coding-DNA position 215, G replaced by C.
Protein change: p.Arg72Thr; replaces arginine 72 with threonine.
Molecular consequence: missense variant. On other transcripts: non-coding transcript variant (1).
Genome position (GRCh38, 1-based): chr19:44,948,860, G>C. VCF-style: chr19-44948860-G-C. GRCh37 (hg19) VCF-style: chr19-45452117-G-C.
Other names: short protein forms R72T.
Identifiers: ClinVar variation 2736904 (VCV002736904.3), dbSNP rs1475941193, ClinGen allele CA406294878.
Genomic context (GRCh38, chr19:44,948,860, plus strand): 5'-AGACAGCCGCCCAGAACCTGTACGAGAAGACATACCTGCCCGCTGTAGATGAGAAACTCA[G>C]GTAGCACCTGCCCCTGGAGAAATGGGGTCTGGCCCATACCACCGACTGCATCCAGGACCC-3'
Protein context (NP_000474.2, residues 62-82): TYLPAVDEKL[Arg72Thr]DLYSKSTAAM